The following is an entry in ClinVar:

NM_018051.5(DYNC2I1):c.1000G>A (p.Glu334Lys)

Gene: DYNC2I1 (dynein 2 intermediate chain 1; plus strand). Cytogenetic location: 7q36.3.
Variant type: single nucleotide variant.
Coding change: c.1000G>A on transcript NM_018051.5 (MANE Select); coding-DNA position 1000, G replaced by A.
Protein change: p.Glu334Lys; replaces glutamic acid 334 with lysine.
Molecular consequence: missense variant. On other transcripts: 5 prime UTR variant (3).
Genome position (GRCh38, 1-based): chr7:158,891,274, G>A. VCF-style: chr7-158891274-G-A. GRCh37 (hg19) VCF-style: chr7-158683965-G-A.
Other names: c.1000G>A (NM_018051.4); c.862G>A, p.Glu288Lys (NM_001350914.2); c.427G>A, p.Glu143Lys (NM_001350915.2); c.-359G>A (NM_001350916.2); c.-367G>A (NM_001350917.2); c.-486G>A (NM_001350918.2); short protein forms E334K, E143K, E288K.
Identifiers: ClinVar variation 1970923 (VCV001970923.4), dbSNP rs201126878, ClinGen allele CA4594491.

ClinVar aggregate classification (germline): Uncertain significance. Review status: criteria provided, multiple submitters, no conflicts (2 of 4 stars). 2 submissions from 2 submitters: Uncertain significance (2). Last evaluated 2025-08-16.

Conditions:
Inborn genetic diseases. Identifiers: MedGen C0950123, MeSH D030342.
Short-rib thoracic dysplasia 8 with or without polydactyly (SRTD8). Also called: SHORT-RIB THORACIC DYSPLASIA 8 WITH POLYDACTYLY. Identifiers: Orphanet 93271, MedGen C3809691, MONDO:0014214, OMIM 615503.

Allele frequency attached by ClinVar (database versions not stated): gnomAD 0.00009; TOPMed 0.00011; gnomAD exomes 0.00006; ExAC 0.00007; 1000 Genomes Project 0.00080; 1000 Genomes Project 30x 0.00062.
gnomAD v4.1: 112 of 1,614,050 alleles (0.0069%); highest among the groups gnomAD compares: Middle Eastern, 0.033%; no homozygotes.

Submissions (2):

Labcorp Genetics (formerly Invitae), Labcorp
Classification: Uncertain significance for Short-rib thoracic dysplasia 8 with or without polydactyly. Last evaluated: 2025-08-16. Review status: criteria provided, single submitter. Criteria: Invitae Variant Classification Sherloc (09022015). Collection method: clinical testing. Allele origin: germline.
Comment: This sequence change replaces glutamic acid, which is acidic and polar, with lysine, which is basic and polar, at codon 334 of the WDR60 protein (p.Glu334Lys). This variant is present in population databases (rs201126878, gnomAD 0.02%). This variant has not been reported in the literature in individuals affected with WDR60-related conditions. ClinVar contains an entry for this variant (Variation ID: 1970923). An algorithm developed to predict the effect of missense changes on protein structure and function outputs the following: PolyPhen-2: "Possibly Damaging". The lysine amino acid residue is found in multiple mammalian species, which suggests that this missense change does not adversely affect protein function. In summary, the available evidence is currently insufficient to determine the role of this variant in disease. Therefore, it has been classified as a Variant of Uncertain Significance.

Ambry Genetics
Classification: Uncertain significance for Inborn genetic diseases. Last evaluated: 2021-10-12. Review status: criteria provided, single submitter. Criteria: Ambry Variant Classification Scheme 2023. Collection method: clinical testing. Allele origin: germline.